The following is an entry in ClinVar:

NM_025243.4(SLC19A3):c.482T>C (p.Leu161Ser)

Gene: SLC19A3 (solute carrier family 19 member 3; minus strand). Cytogenetic location: 2q36.3.
Variant type: single nucleotide variant.
Coding change: c.482T>C on transcript NM_025243.4 (MANE Select); coding-DNA position 482, T replaced by C.
Protein change: p.Leu161Ser; replaces leucine 161 with serine.
Molecular consequence: missense variant.
Genome position (GRCh38, 1-based): chr2:227,699,233, A>G on the plus strand (T>C on the coding strand, the complement: SLC19A3 is on the minus strand). VCF-style: chr2-227699233-A-G. GRCh37 (hg19) VCF-style: chr2-228563949-A-G.
Other names: c.482T>C, p.Leu161Ser (NM_001371411.1, NM_001371412.1); c.470T>C, p.Leu157Ser (NM_001371413.1, NM_001371414.1); short protein forms L157S, L161S.
Identifiers: ClinVar variation 944693 (VCV000944693.5), dbSNP rs749604833, ClinGen allele CA2149288.

ClinVar aggregate classification (germline): Uncertain significance (1 of 4 stars; one submission).

Conditions:
Biotin-responsive basal ganglia disease (BTBGD). Also called: THIAMINE METABOLISM DYSFUNCTION SYNDROME 2 (BIOTIN- AND THIAMINE-RESPONSIVE TYPE); Thiamine metabolism dysfunction syndrome 2 (biotin- or thiamine-responsive encephalopathy type 2); Thiamine Transporter-2 Deficiency; thiamine-responsive encephalopathy; Thiamine metabolism dysfunction syndrome type 2. Identifiers: Orphanet 199348, Orphanet 65284, MedGen C1843807, MONDO:0011841, OMIM 607483.

Allele frequency attached by ClinVar (database versions not stated): gnomAD exomes below 0.00001 and 0.00001; ExAC 0.00001; gnomAD 0.00005; TOPMed 0.00006.

Submission:

Labcorp Genetics (formerly Invitae), Labcorp
Classification: Uncertain significance for Biotin-responsive basal ganglia disease. Last evaluated: 2021-11-01. Review status: criteria provided, single submitter. Criteria: Invitae Variant Classification Sherloc (09022015). Collection method: clinical testing. Allele origin: germline.
Comment: This sequence change replaces leucine, which is neutral and non-polar, with serine, which is neutral and polar, at codon 161 of the SLC19A3 protein (p.Leu161Ser). This variant is present in population databases (rs749604833, gnomAD 0.0009%). This variant has not been reported in the literature in individuals affected with SLC19A3-related conditions. ClinVar contains an entry for this variant (Variation ID: 944693). Advanced modeling of protein sequence and biophysical properties (such as structural, functional, and spatial information, amino acid conservation, physicochemical variation, residue mobility, and thermodynamic stability) performed at Invitae indicates that this missense variant is expected to disrupt SLC19A3 protein function. In summary, the available evidence is currently insufficient to determine the role of this variant in disease. Therefore, it has been classified as a Variant of Uncertain Significance.